The following is an entry in ClinVar:

ClinVar aggregate classification (germline): Uncertain significance (1 of 4 stars; one submission).

Allele frequency attached by ClinVar (database versions not stated): gnomAD exomes 0.00001; TOPMed 0.00001; gnomAD 0.00001.
gnomAD v4.1: 11 of 1,613,900 alleles (0.00068%); highest among the groups gnomAD compares: African/African-American, 0.0027%; no homozygotes.

Submission:

Labcorp Genetics (formerly Invitae), Labcorp
Classification: Uncertain significance. Last evaluated: 2025-08-11. Review status: criteria provided, single submitter. Criteria: Invitae Variant Classification Sherloc (09022015). Collection method: clinical testing. Allele origin: germline.
Comment: This sequence change replaces asparagine, which is neutral and polar, with serine, which is neutral and polar, at codon 81 of the MTOR protein (p.Asn81Ser). This variant is present in population databases (no rsID available, gnomAD 0.003%). This variant has not been reported in the literature in individuals affected with MTOR-related conditions. ClinVar contains an entry for this variant (Variation ID: 2742191). Invitae Evidence Modeling of protein sequence and biophysical properties (such as structural, functional, and spatial information, amino acid conservation, physicochemical variation, residue mobility, and thermodynamic stability) indicates that this missense variant is not expected to disrupt MTOR protein function with a negative predictive value of 95%. In summary, the available evidence is currently insufficient to determine the role of this variant in disease. Therefore, it has been classified as a Variant of Uncertain Significance.

NM_004958.4(MTOR):c.242A>G (p.Asn81Ser)

Gene: MTOR (mechanistic target of rapamycin kinase; minus strand). Cytogenetic location: 1p36.22.
Variant type: single nucleotide variant.
Coding change: c.242A>G on transcript NM_004958.4 (MANE Select); coding-DNA position 242, A replaced by G.
Protein change: p.Asn81Ser; replaces asparagine 81 with serine.
Molecular consequence: missense variant. On other transcripts: 5 prime UTR variant (1).
Genome position (GRCh38, 1-based): chr1:11,258,514, T>C on the plus strand (A>G on the coding strand, the complement: MTOR is on the minus strand). VCF-style: chr1-11258514-T-C. GRCh37 (hg19) VCF-style: chr1-11318571-T-C.
Other names: c.242A>G, p.Asn81Ser (NM_001386500.1); c.-898A>G (NM_001386501.1); short protein forms N81S.
Identifiers: ClinVar variation 2742191 (VCV002742191.3), dbSNP rs997811327, ClinGen allele CA17960113.
Genomic context (GRCh38, chr1:11,258,514, plus strand): 5'-TTGTTTTTGTGACCAGAGACTCTGTCCTTACCTATGGCCAAGATGCCACCTTTCCTCTCA[T>C]TGGCATCTGAGCTGGAAACCAATTCAAAAATGTGATGGTTCAGTTGGTCATAGAAGCGAG-3'
Protein context (NP_004949.1, residues 71-91): IFELVSSSDA[Asn81Ser]ERKGGILAIA